The following is an entry in ClinVar:

NM_001999.4(FBN2):c.6917A>G (p.Glu2306Gly)

Gene: FBN2 (fibrillin 2; minus strand). Cytogenetic location: 5q23.3.
Variant type: single nucleotide variant.
Coding change: c.6917A>G on transcript NM_001999.4 (MANE Select); coding-DNA position 6917, A replaced by G.
Protein change: p.Glu2306Gly; replaces glutamic acid 2306 with glycine.
Molecular consequence: missense variant.
Genome position (GRCh38, 1-based): chr5:128,286,813, T>C on the plus strand (A>G on the coding strand, the complement: FBN2 is on the minus strand). VCF-style: chr5-128286813-T-C. GRCh37 (hg19) VCF-style: chr5-127622505-T-C.
Other names: short protein forms E2306G.
Identifiers: ClinVar variation 2979148 (VCV002979148.3), dbSNP rs2479670114, ClinGen allele CA360759095.

ClinVar aggregate classification (germline): Uncertain significance (1 of 4 stars; one submission).

Conditions:
Congenital contractural arachnodactyly (CCA). Also called: BEALS SYNDROME; Arthrogryposis, distal, type 9; Beals-Hecht syndrome. Identifiers: Orphanet 115, MedGen C0220668, MONDO:0007363, OMIM 121050.

Submission:

Labcorp Genetics (formerly Invitae), Labcorp
Classification: Uncertain significance for Congenital contractural arachnodactyly. Last evaluated: 2023-06-15. Review status: criteria provided, single submitter. Criteria: Invitae Variant Classification Sherloc (09022015). Collection method: clinical testing. Allele origin: germline.
Comment: In summary, the available evidence is currently insufficient to determine the role of this variant in disease. Therefore, it has been classified as a Variant of Uncertain Significance. Advanced modeling of protein sequence and biophysical properties (such as structural, functional, and spatial information, amino acid conservation, physicochemical variation, residue mobility, and thermodynamic stability) performed at Invitae indicates that this missense variant is not expected to disrupt FBN2 protein function. This variant has not been reported in the literature in individuals affected with FBN2-related conditions. This variant is not present in population databases (gnomAD no frequency). This sequence change replaces glutamic acid, which is acidic and polar, with glycine, which is neutral and non-polar, at codon 2306 of the FBN2 protein (p.Glu2306Gly).